The following is an entry in ClinVar:

ClinVar aggregate classification (germline): Uncertain significance. Review status: criteria provided, multiple submitters, no conflicts (2 of 4 stars). 3 submissions from 3 submitters: Uncertain significance (3). Last evaluated 2026-05-03.

Conditions:
Meckel-Gruber syndrome. Also called: DYSENCEPHALIA SPLANCHNOCYSTICA; GRUBER SYNDROME; Dysencephalia splachnocystica. Identifiers: Orphanet 564, MedGen C0265215, MONDO:0018921.
Joubert syndrome. Also called: JOUBERT-BOLTSHAUSER SYNDROME; Familial aplasia of the vermis. Identifiers: Orphanet 475, MedGen C5979921, MONDO:0018772.
COACH syndrome 1. Identifiers: Orphanet 1454, MedGen C5435651, MONDO:0800103, OMIM 216360, MONDO:0008996.
Meckel syndrome, type 3 (MKS3). Also called: MECKEL-GRUBER SYNDROME, TYPE 3. Identifiers: Orphanet 564, MedGen C1846357, MONDO:0011821, OMIM 607361.
Bardet-Biedl syndrome 14 (BBS14). Identifiers: Orphanet 110, MedGen C2673874, MONDO:0014442, OMIM 615991.
Joubert syndrome 6 (JBTS6). Identifiers: Orphanet 475, MedGen C1853153, MONDO:0012539, OMIM 610688.
RHYNS syndrome. Also called: RETINITIS PIGMENTOSA SYNDROME; RETINITIS PIGMENTOSA, HYPOPITUITARISM, NEPHRONOPHTHISIS, AND MILD SKELETAL DYSPLASIA. Identifiers: Orphanet 140976, MedGen C1865794, MONDO:0011202, OMIM 602152.
Nephronophthisis 11 (NPHP11). Identifiers: Orphanet 84081, MedGen C3150796, MONDO:0013302, OMIM 613550.
TMEM67-related disorder. Also called: TMEM67-related disorders; TMEM67-related condition. Identifiers: MedGen CN239423.

Allele frequency attached by ClinVar (database versions not stated): ESP Exome Variant Server 0.00008.
gnomAD v4.1: 9 of 1,614,040 alleles (0.00056%); highest among the groups gnomAD compares: African/African-American, 0.0093%; no homozygotes.

Submissions (3):

PreventionGenetics, part of Exact Sciences
Classification: Uncertain significance for TMEM67-related condition. Last evaluated: 2026-05-03. Review status: criteria provided, single submitter. Criteria: ACMG Guidelines, 2015. Collection method: clinical testing. Allele origin: germline.
Comment: The TMEM67 c.148G>T variant is predicted to result in the amino acid substitution p.Asp50Tyr. To our knowledge, this variant has not been reported in the literature. This variant is reported in 0.0062% of alleles in individuals of African descent in gnomAD. At this time, the clinical significance of this variant is uncertain due to the absence of conclusive functional and genetic evidence.

Fulgent Genetics
Classification: Uncertain significance for COACH syndrome 1; RHYNS syndrome; Meckel syndrome, type 3; Joubert syndrome 6; Nephronophthisis 11; Bardet-Biedl syndrome 14. Last evaluated: 2024-01-20. Review status: criteria provided, single submitter. Criteria: ACMG Guidelines, 2015. Collection method: clinical testing. Allele origin: germline.

Labcorp Genetics (formerly Invitae), Labcorp
Classification: Uncertain significance for Joubert syndrome; Meckel-Gruber syndrome. Last evaluated: 2022-07-15. Review status: criteria provided, single submitter. Criteria: Invitae Variant Classification Sherloc (09022015). Collection method: clinical testing. Allele origin: germline.
Comment: This sequence change replaces aspartic acid, which is acidic and polar, with tyrosine, which is neutral and polar, at codon 50 of the TMEM67 protein (p.Asp50Tyr). This variant is present in population databases (rs144253777, gnomAD 0.01%). This variant has not been reported in the literature in individuals affected with TMEM67-related conditions. Advanced modeling of protein sequence and biophysical properties (such as structural, functional, and spatial information, amino acid conservation, physicochemical variation, residue mobility, and thermodynamic stability) performed at Invitae indicates that this missense variant is not expected to disrupt TMEM67 protein function. In summary, the available evidence is currently insufficient to determine the role of this variant in disease. Therefore, it has been classified as a Variant of Uncertain Significance.

NM_153704.6(TMEM67):c.148G>T (p.Asp50Tyr)

Gene: TMEM67 (transmembrane protein 67; plus strand). Cytogenetic location: 8q22.1.
Variant type: single nucleotide variant.
Coding change: c.148G>T on transcript NM_153704.6 (MANE Select); coding-DNA position 148, G replaced by T.
Protein change: p.Asp50Tyr; replaces aspartic acid 50 with tyrosine.
Molecular consequence: missense variant. On other transcripts: 5 prime UTR variant (1), non-coding transcript variant (1).
Genome position (GRCh38, 1-based): chr8:93,755,062, G>T. VCF-style: chr8-93755062-G-T. GRCh37 (hg19) VCF-style: chr8-94767290-G-T.
Other names: c.-137G>T (NM_001142301.1); short protein forms D50Y.
Identifiers: ClinVar variation 2176595 (VCV002176595.3), dbSNP rs144253777, ClinGen allele CA4807523.
Genomic context (GRCh38, chr8:93,755,062, plus strand): 5'-CTCCCTCGCTTCTTACAGGCCCAGACCTTCTCTTTCCCTTTCCAGCAGCCGGAGAAGTGC[G>T]ACAACAACCAGTACTTTGATATCTCCGCCCTCTCGTGTGTTCCTTGTGGAGCTAACCAGA-3'
Protein context (NP_714915.3, residues 40-60): SFPFQQPEKC[Asp50Tyr]NNQYFDISAL